The following is an entry in ClinVar:

ClinVar aggregate classification (germline): Uncertain significance. Review status: criteria provided, multiple submitters, no conflicts (2 of 4 stars). 2 submissions from 2 submitters: Uncertain significance (2). Last evaluated 2024-06-18.

Conditions:
Infantile nephronophthisis (NPHP2). Also called: Nephronophthisis 2, infantile; Nephronophthisis 2. Identifiers: Orphanet 655, Orphanet 93591, MedGen C1865872, MONDO:0011190, OMIM 602088.
Nephronophthisis. Also called: Juvenile Nephronophthisis. Identifiers: Orphanet 655, MedGen C0687120, MONDO:0019005, HP:0000090.

Allele frequency attached by ClinVar (database versions not stated): gnomAD 0.00001 and 0.00003; TOPMed 0.00003; gnomAD exomes 0.00005; ExAC 0.00006; ESP Exome Variant Server 0.00015; 1000 Genomes Project 30x 0.00016; 1000 Genomes Project 0.00020.
gnomAD v4.1: 80 of 1,614,174 alleles (0.005%); highest among the groups gnomAD compares: Non-Finnish European, 0.0066%; no homozygotes.

Submissions (2):

Fulgent Genetics
Classification: Uncertain significance for Infantile nephronophthisis. Last evaluated: 2024-06-18. Review status: criteria provided, single submitter. Criteria: ACMG Guidelines, 2015. Collection method: clinical testing. Allele origin: germline.

Labcorp Genetics (formerly Invitae), Labcorp
Classification: Uncertain significance for Nephronophthisis. Last evaluated: 2021-08-28. Review status: criteria provided, single submitter. Criteria: Invitae Variant Classification Sherloc (09022015). Collection method: clinical testing. Allele origin: germline.
Comment: This sequence change replaces alanine with valine at codon 806 of the INVS protein (p.Ala806Val). The alanine residue is highly conserved and there is a small physicochemical difference between alanine and valine. This variant is present in population databases (rs201824415, ExAC 0.01%). This variant has not been reported in the literature in individuals affected with INVS-related conditions. Algorithms developed to predict the effect of missense changes on protein structure and function are either unavailable or do not agree on the potential impact of this missense change (SIFT: "Deleterious"; PolyPhen-2: "Possibly Damaging"; Align-GVGD: "Class C0"). Algorithms developed to predict the effect of sequence changes on RNA splicing suggest that this variant may create or strengthen a splice site. In summary, the available evidence is currently insufficient to determine the role of this variant in disease. Therefore, it has been classified as a Variant of Uncertain Significance.

NM_014425.5(INVS):c.2417C>T (p.Ala806Val)

Gene: INVS (inversin; plus strand). Cytogenetic location: 9q31.1.
Variant type: single nucleotide variant.
Coding change: c.2417C>T on transcript NM_014425.5 (MANE Select); coding-DNA position 2417, C replaced by T.
Protein change: p.Ala806Val; replaces alanine 806 with valine.
Molecular consequence: missense variant. On other transcripts: non-coding transcript variant (1).
Genome position (GRCh38, 1-based): chr9:100,292,674, C>T. VCF-style: chr9-100292674-C-T. GRCh37 (hg19) VCF-style: chr9-103054956-C-T.
Other names: c.2129C>T, p.Ala710Val (NM_001318381.2); c.1439C>T, p.Ala480Val (NM_001318382.2); short protein forms A480V, A710V, A806V.
Identifiers: ClinVar variation 854707 (VCV000854707.8), dbSNP rs201824415, ClinGen allele CA5158621.